The following is an entry in ClinVar:

NM_022051.3(EGLN1):c.493C>T (p.Pro165Ser)

Gene: EGLN1 (egl-9 family hypoxia inducible factor 1; minus strand). Cytogenetic location: 1q42.2.
Variant type: single nucleotide variant.
Coding change: c.493C>T on transcript NM_022051.3 (MANE Select); coding-DNA position 493, C replaced by T.
Protein change: p.Pro165Ser; replaces proline 165 with serine.
Molecular consequence: missense variant.
Genome position (GRCh38, 1-based): chr1:231,421,396, G>A on the plus strand (C>T on the coding strand, the complement: EGLN1 is on the minus strand). VCF-style: chr1-231421396-G-A. GRCh37 (hg19) VCF-style: chr1-231557142-G-A.
Other names: c.493C>T, p.Pro165Ser (NM_001377260.1, NM_001377261.1); c.493C>T (NM_022051.2); short protein forms P165S.
Identifiers: ClinVar variation 3635557 (VCV003635557.3).

ClinVar aggregate classification (germline): Uncertain significance. Review status: criteria provided, multiple submitters, no conflicts (2 of 4 stars). 2 submissions from 2 submitters: Uncertain significance (2). Last evaluated 2026-04-21.

Conditions:
Erythrocytosis, familial, 3 (ECYT3). Identifiers: Orphanet 247511, MedGen C1853286, MONDO:0012353, OMIM 609820.

gnomAD v4.1: 9 of 1,603,776 alleles (0.00056%); highest among the groups gnomAD compares: Middle Eastern, 0.017%; no homozygotes.

Submissions (2):

Ambry Genetics
Classification: Uncertain significance. Last evaluated: 2026-04-21. Review status: criteria provided, single submitter. Criteria: Ambry Variant Classification Scheme 2023. Collection method: clinical testing. Allele origin: germline.
Comment: The p.P165S variant (also known as c.493C>T), located in coding exon 1 of the EGLN1 gene, results from a C to T substitution at nucleotide position 493. The proline at codon 165 is replaced by serine, an amino acid with similar properties. This amino acid position is not well conserved in available vertebrate species. In addition, this alteration is predicted to be tolerated by in silico analysis. The evidence for this gene-disease relationship is limited; therefore, the clinical significance of this variant is unclear.

Labcorp Genetics (formerly Invitae), Labcorp
Classification: Uncertain significance for Erythrocytosis, familial, 3. Last evaluated: 2024-10-12. Review status: criteria provided, single submitter. Criteria: Invitae Variant Classification Sherloc (09022015). Collection method: clinical testing. Allele origin: germline.
Comment: This sequence change replaces proline, which is neutral and non-polar, with serine, which is neutral and polar, at codon 165 of the EGLN1 protein (p.Pro165Ser). This variant is not present in population databases (gnomAD no frequency). This missense change has been observed in individual(s) with EGLN1-related conditions (PMID: 24482100). An algorithm developed to predict the effect of missense changes on protein structure and function (PolyPhen-2) suggests that this variant is likely to be tolerated. In summary, the available evidence is currently insufficient to determine the role of this variant in disease. Therefore, it has been classified as a Variant of Uncertain Significance.

Literature cited by the submitters: PubMed 24482100 (cited by Labcorp Genetics (formerly Invitae), Labcorp).